The following is an entry in ClinVar:

NM_000051.4(ATM):c.6965G>T (p.Ser2322Ile)

Genes: C11orf65 (chromosome 11 open reading frame 65; minus strand), ATM (ATM serine/threonine kinase; plus strand). Cytogenetic location: 11q22.3.
Variant type: single nucleotide variant.
Coding change: c.6965G>T on transcript NM_000051.4 (MANE Select); coding-DNA position 6965, G replaced by T.
Protein change: p.Ser2322Ile; replaces serine 2322 with isoleucine.
Molecular consequence: missense variant. On other transcripts: intron variant (2).
Genome position (GRCh38, 1-based): chr11:108,326,215, G>T. VCF-style: chr11-108326215-G-T. GRCh37 (hg19) VCF-style: chr11-108196942-G-T.
Other names: c.6965G>T, p.Ser2322Ile (NM_001351834.2); c.641-17144C>A (NM_001330368.2); c.*38+9005C>A (NM_001351110.2); short protein forms S2322I.
Identifiers: ClinVar variation 231476 (VCV000231476.7), dbSNP rs876659183, ClinGen allele CA10579242.

ClinVar aggregate classification (germline): Uncertain significance (1 of 4 stars; one submission).

Conditions:
Hereditary cancer-predisposing syndrome. Also called: Neoplastic Syndromes, Hereditary; Hereditary neoplastic syndrome; Tumor predisposition; Hereditary Cancer Syndrome. Identifiers: Orphanet 140162, MedGen C0027672, MeSH D009386, MONDO:0015356.

Submission:

Ambry Genetics
Classification: Uncertain significance for Hereditary cancer-predisposing syndrome. Last evaluated: 2021-06-21. Review status: criteria provided, single submitter. Criteria: Ambry Variant Classification Scheme 2023. Collection method: clinical testing. Allele origin: germline.
Comment: The p.S2322I variant (also known as c.6965G>T), located in coding exon 46 of the ATM gene, results from a G to T substitution at nucleotide position 6965. The serine at codon 2322 is replaced by isoleucine, an amino acid with dissimilar properties. This amino acid position is not well conserved in available vertebrate species. In addition, this alteration is predicted to be tolerated by in silico analysis. Since supporting evidence is limited at this time, the clinical significance of this alteration remains unclear.